The following is an entry in ClinVar:

ClinVar aggregate classification (germline): Pathogenic. Review status: reviewed by expert panel (3 of 4 stars). 3 submissions from 3 submitters: Pathogenic (1). 2 of the submissions do not count toward it. Last evaluated 2025-09-07.

Conditions:
RPGR-related retinopathy. Also called: RPGR retinopathy. Identifiers: MedGen CN305589, MONDO:0100437.
RPGR-related disorder. Also called: RPGR-related condition.

Submissions (3):

ClinGen X-linked Inherited Retinal Disease Variant Curation Expert Panel, ClinGen
Classification: Pathogenic for RPGR-related retinopathy. Last evaluated: 2025-09-07. Review status: reviewed by expert panel. Criteria: ClinGen X LinkedIRD ACMG Specifications RPGR V1.0.0. Collection method: curation. Allele origin: germline. Inheritance: X-linked inheritance.
Comment: NM_001034853.2(RPGR):c.851C>G (p.Ser284Ter) is a nonsense variant that introduces a premature stop in codon 284 within exon 8 of 15 and is predicted to trigger nonsense-mediated decay (PVS1). This variant is absent from gnomAD v4.1.0 (PM2_Supporting). At least one proband harboring this variant exhibits a phenotype including early onset (1pts), night blindness (0.5 pts), reduced visual acuity (0.5 pts), pigment deposits (0.5 pts), optic disc pallor (0.5 pts), and genotyping by next-generation sequencing with a panel of 483 genes that did not identify an alternative basis for retinal disease (2 pts), which together are specific for RPGR-related retinopathy (5 points, PMID: 36276946, PP4). In summary, this variant is classified as pathogenic for RPGR-related retinopathy based on the ClinGen X-linked Inherited Retinal Disease Expert Panel Specifications to the ACMG/AMP Variant Interpretation Guidelines for RPGR Version 1.0.0; PVS1, PM2_supporting, and PP4.

Myriad Genetics, Inc.
Classification: Pathogenic for RPGR-related retinopathy. Last evaluated: 2025-03-20. Review status: criteria provided, single submitter. Criteria: Myriad Autosomal Dominant, Autosomal Recessive and X-Linked Classification Criteria (2023). Collection method: clinical testing. Allele origin: unknown. Not counted in ClinVar's aggregate classification.
Comment: NM_000328.2(RPGR):c.851C>G(S284*) is a nonsense variant classified as pathogenic in the context of X-linked retinal dystrophy, RPGR-related. S284* has been observed in cases with relevant disease (PMID: 21857984, 36276946). Relevant functional assessments of this variant are not available in the literature. S284* has not been observed in referenced population frequency databases. In summary, NM_000328.2(RPGR):c.851C>G(S284*) is a nonsense variant in a gene where loss of function is a known mechanism of disease, is predicted to disrupt protein function, and has been observed more frequently in cases with the relevant disease than in healthy populations. Please note: this variant was assessed in the context of healthy population screening.

Blueprint Genetics
Classification: Pathogenic for RPGR-related disorders. Last evaluated: 2022-09-09. Review status: criteria provided, single submitter. Criteria: ACMG Guidelines, 2015. Collection method: clinical testing. Allele origin: germline. Affected: yes. Observed: 1 variant allele. Not counted in ClinVar's aggregate classification.

Literature cited by the submitters: PubMed 21857984 (cited by Myriad Genetics, Inc.); PubMed 36276946 (cited by Myriad Genetics, Inc.).

NM_001034853.2(RPGR):c.851C>G (p.Ser284Ter)

Gene: RPGR (retinitis pigmentosa GTPase regulator; minus strand). Cytogenetic location: Xp11.4.
Variant type: single nucleotide variant.
Coding change: c.851C>G on transcript NM_001034853.2 (MANE Select); coding-DNA position 851, C replaced by G.
Protein change: p.Ser284Ter; replaces serine 284 with a stop codon.
Molecular consequence: nonsense. On other transcripts: non-coding transcript variant (5).
Genome position (GRCh38, 1-based): chrX:38,304,718, G>C on the plus strand (C>G on the coding strand, the complement: RPGR is on the minus strand). VCF-style: chrX-38304718-G-C. GRCh37 (hg19) VCF-style: chrX-38163971-G-C.
Other names: NM_001034853.2:c.851C>G; c.851C>G, p.Ser284Ter (NM_000328.3, NM_001367246.1, NM_001367247.1 and 1 more transcripts); c.848C>G, p.Ser283Ter (NM_001367245.1, NM_001367249.1, NM_001367250.1); c.881C>G, p.Ser294Ter (NM_001367248.1); short protein forms S283*, S284*, S294*.
Identifiers: ClinVar variation 4081777 (VCV004081777.3).